The following is an entry in ClinVar:

NM_004320.6(ATP2A1):c.2261ACA[2] (p.Asn756del)

Gene: ATP2A1 (ATPase sarcoplasmic/endoplasmic reticulum Ca2+ transporting 1; plus strand). Cytogenetic location: 16p11.2.
Variant type: Microsatellite.
Coding change: c.2261ACA[2] on transcript NM_004320.6 (MANE Select); two copies in a row of the 3-base unit ACA starting at c.2261; the reference has three copies in a row; one copy, 3 bases deleted.
Protein change: p.Asn756del; deletes asparagine 756.
Molecular consequence: inframe deletion.
Genome position (GRCh38, 1-based): chr16:28,902,029-28,902,031, ACA deleted; deleting any 3 consecutive bases within chr16:28,902,023-28,902,031 gives the same sequence; the position shown is the placement nearest the transcript's 3' end. VCF-style (leftmost placement, unchanged base first): chr16-28902022-TACA-T. GRCh37 (hg19) VCF-style: chr16-28913343-TACA-T.
Other names: c.1886ACA[2], p.Asn631del (NM_001286075.2); c.2261ACA[2], p.Asn756del (NM_173201.5); short protein forms N631del, N756del.
Identifiers: ClinVar variation 1878831 (VCV001878831.1), dbSNP rs766141393, ClinGen allele CA7987206.

ClinVar aggregate classification (germline): Uncertain significance (1 of 4 stars; one submission).

Submission:

GeneDx
Classification: Uncertain significance. Last evaluated: 2023-01-09. Review status: criteria provided, single submitter. Criteria: GeneDx Variant Classification Process June 2021. Collection method: clinical testing. Allele origin: germline. Affected: yes.
Comment: Not observed at significant frequency in large population cohorts (gnomAD); In-frame deletion of 1 amino acid in a non-repeat region; In silico analysis supports a deleterious effect on protein structure/function; Has not been previously published as pathogenic or benign to our knowledge